The following is an entry in ClinVar:

ClinVar aggregate classification (germline): Pathogenic. Review status: criteria provided, multiple submitters, no conflicts (2 of 4 stars). 2 submissions from 2 submitters: Pathogenic (2). Last evaluated 2022-08-12.

Conditions:
Anemia, nonspherocytic hemolytic, due to G6PD deficiency (CNSHA1). Also called: Class I glucose-6-phosphate dehydrogenase deficiency; Favism, susceptibility to; Hemolytic anemia due to G6PD deficiency; ANEMIA, CONGENITAL, NONSPHEROCYTIC HEMOLYTIC, 1. Identifiers: Orphanet 466026, MedGen C2720289, MONDO:0010480, OMIM 300908.

Submissions (2):

Dunham Lab, University of Washington
Classification: Pathogenic for Anemia, nonspherocytic hemolytic, due to G6PD deficiency. Last evaluated: 2022-08-12. Review status: criteria provided, single submitter. Criteria: Bayesian ACMG Guidelines, 2018. Collection method: curation. Allele origin: unknown.
Comment: Introduces stop codon at residue 460 (PVS1). Not found in gnomAD (PM2). Reported as pathogenic by Mendelics (PP5). Post_P 0.997 (odds of pathogenicity 3152, Prior_P 0.1).

Mendelics
Classification: Pathogenic for Anemia, nonspherocytic hemolytic, due to G6PD deficiency. Last evaluated: 2019-05-28. Review status: criteria provided, single submitter. Criteria: Mendelics Assertion Criteria 2017. Collection method: clinical testing. Allele origin: unknown.

NM_001360016.2(G6PD):c.1378G>T (p.Glu460Ter)

Gene: G6PD (glucose-6-phosphate dehydrogenase; minus strand). Cytogenetic location: Xq28.
Variant type: single nucleotide variant.
Coding change: c.1378G>T on transcript NM_001360016.2 (MANE Select); coding-DNA position 1378, G replaced by T.
Protein change: p.Glu460Ter; replaces glutamic acid 460 with a stop codon.
Molecular consequence: nonsense.
Genome position (GRCh38, 1-based): chrX:154,532,267, C>A on the plus strand (G>T on the coding strand, the complement: G6PD is on the minus strand). VCF-style: chrX-154532267-C-A. GRCh37 (hg19) VCF-style: chrX-153760482-C-A.
Other names: c.1468G>T, p.Glu490Ter (NM_000402.4); c.1378G>T, p.Glu460Ter (NM_001042351.3); short protein forms E490*, E460*.
Identifiers: ClinVar variation 804133 (VCV000804133.3), dbSNP rs1603411214, ClinGen allele CA415232653.